The following is an entry in ClinVar:

NM_004006.3(DMD):c.3256A>T (p.Lys1086Ter)

Gene: DMD (dystrophin; minus strand). Cytogenetic location: Xp21.1.
Variant type: single nucleotide variant.
Coding change: c.3256A>T on transcript NM_004006.3 (MANE Select); coding-DNA position 3256, A replaced by T.
Protein change: p.Lys1086Ter; replaces lysine 1086 with a stop codon.
Molecular consequence: nonsense.
Genome position (GRCh38, 1-based): chrX:32,464,606, T>A on the plus strand (A>T on the coding strand, the complement: DMD is on the minus strand). VCF-style: chrX-32464606-T-A. GRCh37 (hg19) VCF-style: chrX-32482723-T-A.
Other names: c.3232A>T, p.Lys1078Ter (NM_000109.4); c.3244A>T, p.Lys1082Ter (NM_004009.3); c.2887A>T, p.Lys963Ter (NM_004010.3); short protein forms K1078*, K1082*, K1086*, K963*.
Identifiers: ClinVar variation 1322694 (VCV001322694.3), dbSNP rs745585519, ClinGen allele CA412664764.

ClinVar aggregate classification (germline): Pathogenic (1 of 4 stars; one submission).

Conditions:
Becker muscular dystrophy (BMD). Also called: MUSCULAR DYSTROPHY, PSEUDOHYPERTROPHIC PROGRESSIVE, BECKER TYPE; Becker Muscular Dystrophy (BMD). Identifiers: Orphanet 98895, MedGen C0917713, MONDO:0010311, OMIM 300376.
Duchenne muscular dystrophy (DMD). Also called: MUSCULAR DYSTROPHY, PSEUDOHYPERTROPHIC PROGRESSIVE, DUCHENNE TYPE; Duchenne Muscular Dystrophy (DMD). Identifiers: Orphanet 98896, MedGen C0013264, MONDO:0010679, OMIM 310200.

Submission:

Diagnostics Services (NGS), CSIR - Centre For Cellular And Molecular Biology
Classification: Pathogenic for Becker muscular dystrophy; Duchenne muscular dystrophy. Last evaluated: 2021-07-13. Review status: criteria provided, single submitter. Criteria: ACMG Guidelines, 2015. Collection method: clinical testing. Allele origin: unknown. Inheritance: X-linked inheritance. Affected: yes. Observed: 1 variant allele, 1 hemizygote.
Comment: The c.3256A>T variant is not present in publicly available population databases like Exome Variant Server (EVS), 1000 Genomes, Exome Aggregation Consortium (ExAC), Genome Aggregation Database (gnomAD) and dbSNP. The variant is not present in Indian Exome Database and in our in-house exome database. The variant was earlier identified in DMD patients [PMID:18846679] and reported to Human Genome Mutation Database (HGMD ID: HM080054). In-silico pathogenicity prediction programs like MutationTaster2, CADD, Varsome, InterVar etc. predicted this variant to be likely deleterious.

Literature cited by the submitters: PubMed 18846679.